The following is an entry in ClinVar:

ClinVar aggregate classification (germline): Uncertain significance. Review status: criteria provided, multiple submitters, no conflicts (2 of 4 stars). 4 submissions from 4 submitters: Uncertain significance (3). 1 of the submissions does not count toward it. Last evaluated 2023-06-05.

Conditions:
Frontometaphyseal dysplasia (FMD1). Identifiers: Orphanet 1826, MedGen C0265293, MONDO:0015942.
Oto-palato-digital syndrome, type II (OPD2). Also called: OPD II SYNDROME; Otopalatodigital Syndrome, Type II; FACIOPALATOOSSEOUS SYNDROME; Otopalatodigital Syndrome Type 2 (FLNA-OPD2). Identifiers: Orphanet 669, Orphanet 90652, MedGen C1844696, MONDO:0010571, OMIM 304120.
Heterotopia, periventricular, X-linked dominant (PVNH1). Also called: PERIVENTRICULAR NODULAR HETEROTOPIA 1; X-linked periventricular heterotopia; PERIVENTRICULAR NODULAR HETEROTOPIA 4; HETEROTOPIA, PERIVENTRICULAR, 1. Identifiers: Orphanet 2149, Orphanet 82004, MedGen C1848213, MONDO:0010233, OMIM 300049.
Melnick-Needles syndrome (MNS). Also called: OSTEODYSPLASTY OF MELNICK AND NEEDLES; MELNICK-NEEDLES OSTEODYSPLASTY; Melnick-Needles Syndrome (FLNA-MNS). Identifiers: Orphanet 2484, MedGen C0025237, MONDO:0010650, OMIM 309350.
Scoliosis. Identifiers: MedGen C0036439, MONDO:0005392, HP:0002650.

Allele frequency attached by ClinVar (database versions not stated): gnomAD exomes below 0.00001.
gnomAD v4.1: 6 of 1,211,694 alleles (0.0005%); highest among the groups gnomAD compares: Non-Finnish European, 0.00056%; no homozygotes.

Submissions (4):

GeneDx
Classification: Uncertain significance. Last evaluated: 2023-06-05. Review status: criteria provided, single submitter. Criteria: GeneDx Variant Classification Process June 2021. Collection method: clinical testing. Allele origin: germline. Affected: yes.
Comment: Not observed at significant frequency in large population cohorts (gnomAD); In silico analysis supports that this missense variant has a deleterious effect on protein structure/function; Has not been previously published as pathogenic or benign to our knowledge

Mayo Clinic Laboratories, Mayo Clinic
Classification: Uncertain significance. Last evaluated: 2022-03-16. Review status: criteria provided, single submitter. Criteria: ACMG Guidelines, 2015. Collection method: clinical testing. Allele origin: germline. Observed: 1 variant allele.
Comment: PP2, PP3, PM2_supporting

Labcorp Genetics (formerly Invitae), Labcorp
Classification: Uncertain significance for Oto-palato-digital syndrome, type II; Heterotopia, periventricular, X-linked dominant; Frontometaphyseal dysplasia; Melnick-Needles syndrome. Last evaluated: 2021-07-29. Review status: criteria provided, single submitter. Criteria: Invitae Variant Classification Sherloc (09022015). Collection method: clinical testing. Allele origin: germline.
Comment: This variant is not present in population databases (ExAC no frequency). This sequence change replaces arginine with histidine at codon 2041 of the FLNA protein (p.Arg2041His). The arginine residue is highly conserved and there is a small physicochemical difference between arginine and histidine. This variant has not been reported in the literature in individuals with FLNA-related conditions. ClinVar contains an entry for this variant (Variation ID: 492841). In summary, the available evidence is currently insufficient to determine the role of this variant in disease. Therefore, it has been classified as a Variant of Uncertain Significance. Advanced modeling of protein sequence and biophysical properties (such as structural, functional, and spatial information, amino acid conservation, physicochemical variation, residue mobility, and thermodynamic stability) performed at Invitae indicates that this missense variant is not expected to disrupt FLNA protein function.

Clinical Molecular Genetics Laboratory, Johns Hopkins All Children's Hospital
Classification: Uncertain significance for Scoliosis. Last evaluated: 2017-08-21. Review status: no assertion criteria provided. Collection method: clinical testing. Allele origin: germline. Affected: yes. Not counted in ClinVar's aggregate classification.

NM_001110556.2(FLNA):c.6146G>A (p.Arg2049His)

Gene: FLNA (filamin A; minus strand). Cytogenetic location: Xq28.
Variant type: single nucleotide variant.
Coding change: c.6146G>A on transcript NM_001110556.2 (MANE Select); coding-DNA position 6146, G replaced by A.
Protein change: p.Arg2049His; replaces arginine 2049 with histidine.
Molecular consequence: missense variant.
Genome position (GRCh38, 1-based): chrX:154,353,081, C>T on the plus strand (G>A on the coding strand, the complement: FLNA is on the minus strand). VCF-style: chrX-154353081-C-T. GRCh37 (hg19) VCF-style: chrX-153581449-C-T.
Other names: p.Arg2041His; c.6122G>A, p.Arg2041His (NM_001456.4); short protein forms R2041H, R2049H.
Identifiers: ClinVar variation 492841 (VCV000492841.11), dbSNP rs1557176118, ClinGen allele CA415195766.